The following is an entry in ClinVar:

ClinVar aggregate classification (germline): Pathogenic (1 of 4 stars; one submission).

Submission:

Labcorp Genetics (formerly Invitae), Labcorp
Classification: Pathogenic. Last evaluated: 2023-02-24. Review status: criteria provided, single submitter. Criteria: Invitae Variant Classification Sherloc (09022015). Collection method: clinical testing. Allele origin: germline.
Comment: This sequence change creates a premature translational stop signal (p.Phe65Leufs*17) in the KCNJ1 gene. While this is not anticipated to result in nonsense mediated decay, it is expected to disrupt the last 327 amino acid(s) of the KCNJ1 protein. This variant is not present in population databases (gnomAD no frequency). This variant has not been reported in the literature in individuals affected with KCNJ1-related conditions. This variant disrupts a region of the KCNJ1 protein in which other variant(s) (p.His354Serfs*8) have been determined to be pathogenic (PMID: 11318951). This suggests that this is a clinically significant region of the protein, and that variants that disrupt it are likely to be disease-causing. For these reasons, this variant has been classified as Pathogenic.

Literature cited by the submitters: PubMed 11318951.

NM_153766.3(KCNJ1):c.135del (p.Phe46fs)

Gene: KCNJ1 (potassium inwardly rectifying channel subfamily J member 1; minus strand). Cytogenetic location: 11q24.3.
Variant type: Deletion.
Coding change: c.135del on transcript NM_153766.3 (MANE Select); coding-DNA position 135, one base deleted (C; older notation c.135delC).
Protein change: p.Phe46fs; shifts the reading frame from phenylalanine 46.
Molecular consequence: frameshift variant.
Genome position (GRCh38, 1-based): chr11:128,840,109, G deleted on the plus strand (C on the coding strand, the reverse complement: KCNJ1 is on the minus strand). VCF-style (leftmost placement, unchanged base first): chr11-128840108-AG-A. GRCh37 (hg19) VCF-style: chr11-128710003-AG-A.
Other names: c.135del, p.Phe46fs (NM_153767.4, NM_153764.3); c.192del, p.Phe65fs (NM_000220.6); c.186del, p.Phe63fs (NM_153765.3); short protein forms F65fs, F46fs, F63fs.
Identifiers: ClinVar variation 2840459 (VCV002840459.3), dbSNP rs1943256313, ClinGen allele CA943455012.